The following is an entry in ClinVar:

NM_014159.7(SETD2):c.2283G>A (p.Met761Ile)

Gene: SETD2 (SET domain containing 2, histone lysine methyltransferase; minus strand). Cytogenetic location: 3p21.31.
Variant type: single nucleotide variant.
Coding change: c.2283G>A on transcript NM_014159.7 (MANE Select); coding-DNA position 2283, G replaced by A.
Protein change: p.Met761Ile; replaces methionine 761 with isoleucine.
Molecular consequence: missense variant. On other transcripts: non-coding transcript variant (1).
Genome position (GRCh38, 1-based): chr3:47,122,353, C>T on the plus strand (G>A on the coding strand, the complement: SETD2 is on the minus strand). VCF-style: chr3-47122353-C-T. GRCh37 (hg19) VCF-style: chr3-47163843-C-T.
Other names: c.2151G>A, p.Met717Ile (NM_001349370.3); short protein forms M761I, M717I.
Identifiers: ClinVar variation 135227 (VCV000135227.12), dbSNP rs188887061, ClinGen allele CA162074.
Genomic context (GRCh38, chr3:47,122,353, plus strand): 5'-CGTATCAACTGGTTCTTTAACTACTGTTTTGGAATAATCCACAGTCATAACTGGCATAGA[C>T]ATGAGTTTATCTTGGTGTGGTGACACCAGAGGTTCTGTTTCTCTAAATGGGCTTTCTGAC-3'
Protein context (NP_054878.5, residues 751-771): PLVSPHQDKL[Met761Ile]SMPVMTVDYS

ClinVar aggregate classification (germline): Likely benign. Review status: criteria provided, multiple submitters, no conflicts (2 of 4 stars). 3 submissions from 3 submitters: Likely benign (2). 1 of the submissions does not count toward it. Last evaluated 2024-03-26.

Conditions:
Luscan-Lumish syndrome. Identifiers: Orphanet 597738, MedGen C4085873, MONDO:0014791, OMIM 616831.

Allele frequency attached by ClinVar (database versions not stated): gnomAD 0.00007 and 0.00008; 1000 Genomes Project 30x 0.00016; gnomAD exomes 0.00017 and 0.00042; TOPMed 0.00017; 1000 Genomes Project 0.00020; ExAC 0.00032.
gnomAD v4.1: 263 of 1,614,176 alleles (0.016%); highest among the groups gnomAD compares: East Asian, 0.49%; 1 homozygote.

Submissions (3):

Labcorp Genetics (formerly Invitae), Labcorp
Classification: Likely benign for Luscan-Lumish syndrome. Last evaluated: 2024-03-26. Review status: criteria provided, single submitter. Criteria: Invitae Variant Classification Sherloc (09022015). Collection method: clinical testing. Allele origin: germline.

Blueprint Genetics
Classification: Likely benign. Last evaluated: 2023-07-07. Review status: criteria provided, single submitter. Criteria: ACMG Guidelines, 2015. Collection method: clinical testing. Allele origin: germline.

ITMI
No classification provided. Condition: AllHighlyPenetrant. Last evaluated: 2013-09-19. Review status: no classification provided. Collection method: reference population. Allele origin: germline. Not counted in ClinVar's aggregate classification.
Comment: Please see associated publication for description of ethnicities

Literature cited by the submitters: PubMed 24728327 (cited by ITMI).